The following is an entry in ClinVar:

ClinVar aggregate classification (germline): Uncertain significance (1 of 4 stars; one submission).

Conditions:
Hereditary cancer-predisposing syndrome. Also called: Neoplastic Syndromes, Hereditary; Tumor predisposition; Hereditary neoplastic syndrome; Hereditary Cancer Syndrome. Identifiers: Orphanet 140162, MedGen C0027672, MeSH D009386, MONDO:0015356.
Cardiovascular phenotype. Identifiers: MedGen CN230736.

Allele frequency attached by ClinVar (database versions not stated): gnomAD exomes below 0.00001.
gnomAD v4.1: 1 of 1,579,356 alleles (0.000063%); highest among the groups gnomAD compares: South Asian, 0.0012%; no homozygotes.

Submission:

Ambry Genetics
Classification: Uncertain significance for Cardiovascular phenotype; Hereditary cancer-predisposing syndrome. Last evaluated: 2024-03-04. Review status: criteria provided, single submitter. Criteria: Ambry Variant Classification Scheme 2023. Collection method: clinical testing. Allele origin: germline.
Comment: The p.F299S variant (also known as c.896T>C), located in coding exon 9 of the LZTR1 gene, results from a T to C substitution at nucleotide position 896. The phenylalanine at codon 299 is replaced by serine, an amino acid with highly dissimilar properties. This amino acid position is conserved. In addition, this alteration is predicted to be deleterious by in silico analysis. Based on the available evidence, the clinical significance of this alteration remains unclear.

NM_006767.4(LZTR1):c.896T>C (p.Phe299Ser)

Gene: LZTR1 (leucine zipper like post translational regulator 1; plus strand). Cytogenetic location: 22q11.21.
Variant type: single nucleotide variant.
Coding change: c.896T>C on transcript NM_006767.4 (MANE Select); coding-DNA position 896, T replaced by C.
Protein change: p.Phe299Ser; replaces phenylalanine 299 with serine.
Molecular consequence: missense variant.
Genome position (GRCh38, 1-based): chr22:20,991,732, T>C. VCF-style: chr22-20991732-T-C. GRCh37 (hg19) VCF-style: chr22-21346021-T-C.
Other names: short protein forms F299S.
Identifiers: ClinVar variation 3238365 (VCV003238365.1), dbSNP rs2518617204.